The following is an entry in ClinVar:

ClinVar aggregate classification (germline): Uncertain significance (1 of 4 stars; one submission).

Conditions:
Saethre-Chotzen syndrome (SCS). Also called: ACROCEPHALY, SKULL ASYMMETRY, AND MILD SYNDACTYLY; ACS III; CHOTZEN SYNDROME. Identifiers: Orphanet 794, MedGen C0175699, MONDO:0007042, OMIM 101400.
TWIST1-related craniosynostosis (CRS1). Also called: CRANIOSYNOSTOSIS 1. Identifiers: Orphanet 63440, MedGen C4551902, MONDO:0007399, OMIM 123100. Inheritance: Heterogenous inheritance pattern.

Submission:

Labcorp Genetics (formerly Invitae), Labcorp
Classification: Uncertain significance for TWIST1-related craniosynostosis; Saethre-Chotzen syndrome. Last evaluated: 2021-08-31. Review status: criteria provided, single submitter. Criteria: Invitae Variant Classification Sherloc (09022015). Collection method: clinical testing. Allele origin: germline.
Comment: This variant, c.273_293dup, results in the insertion of 7 amino acid(s) to the TWIST1 protein (p.Gly92_Gly98dup), but otherwise preserves the integrity of the reading frame. The frequency data for this variant in the population databases is considered unreliable, as metrics indicate insufficient coverage at this position in the ExAC database. This variant has not been reported in the literature in individuals affected with TWIST1-related conditions. Experimental studies and prediction algorithms are not available or were not evaluated, and the functional significance of this variant is currently unknown. In summary, the available evidence is currently insufficient to determine the role of this variant in disease. Therefore, it has been classified as a Variant of Uncertain Significance.

NM_000474.4(TWIST1):c.273_293dup (p.Gly92_Gly98dup)

Gene: TWIST1 (twist family bHLH transcription factor 1; minus strand). Cytogenetic location: 7p21.1.
Variant type: Duplication.
Coding change: c.273_293dup on transcript NM_000474.4 (MANE Select); coding-DNA positions 273 to 293, 21 bases duplicated (CGGCAGCAGCAGCGGCGGCGG).
Protein change: p.Gly92_Gly98dup.
Molecular consequence: inframe insertion. On other transcripts: non-coding transcript variant (1).
Genome position (GRCh38, 1-based): chr7:19,117,029-19,117,049, CCGCCGCCGCTGCTGCTGCCG duplicated on the plus strand (CGGCAGCAGCAGCGGCGGCGG on the coding strand, the reverse complement: TWIST1 is on the minus strand); duplicating any 21 consecutive bases within chr7:19,117,029-19,117,059 gives the same sequence; the c. name uses the placement nearest the transcript's 3' end. VCF-style (leftmost placement, unchanged base first): chr7-19117028-C-CCCGCCGCCGCTGCTGCTGCCG. GRCh37 (hg19) VCF-style: chr7-19156651-C-CCCGCCGCCGCTGCTGCTGCCG.
Identifiers: ClinVar variation 845136 (VCV000845136.7), dbSNP rs1554442039, ClinGen allele CA916082913.